The following is an entry in ClinVar:

NM_144499.3(GNAT1):c.38G>A (p.Arg13Lys)

Gene: GNAT1 (G protein subunit alpha transducin 1; plus strand). Cytogenetic location: 3p21.31.
Variant type: single nucleotide variant.
Coding change: c.38G>A on transcript NM_144499.3 (MANE Select); coding-DNA position 38, G replaced by A.
Protein change: p.Arg13Lys; replaces arginine 13 with lysine.
Molecular consequence: missense variant.
Genome position (GRCh38, 1-based): chr3:50,191,763, G>A. VCF-style: chr3-50191763-G-A. GRCh37 (hg19) VCF-style: chr3-50229196-G-A.
Other names: c.38G>A, p.Arg13Lys (NM_000172.4); short protein forms R13K.
Identifiers: ClinVar variation 346044 (VCV000346044.13), dbSNP rs201006405, ClinGen allele CA2412421.

ClinVar aggregate classification (germline): Benign/Likely benign. Review status: criteria provided, multiple submitters, no conflicts (2 of 4 stars). 3 submissions from 3 submitters: Benign (2); Likely benign (1). Last evaluated 2025-03-17.

Conditions:
Congenital stationary night blindness autosomal dominant 3. Also called: NIGHT BLINDNESS, CONGENITAL STATIONARY, NOUGARET TYPE. Identifiers: Orphanet 215, MedGen C1864870, MONDO:0012497, OMIM 610444.

Allele frequency attached by ClinVar (database versions not stated): gnomAD exomes 0.00008 and 0.00021; gnomAD 0.00010 and 0.00011; TOPMed 0.00010; ESP Exome Variant Server 0.00015; ExAC 0.00017.

Submissions (3):

Labcorp Genetics (formerly Invitae), Labcorp
Classification: Likely benign. Last evaluated: 2025-03-17. Review status: criteria provided, single submitter. Criteria: Invitae Variant Classification Sherloc (09022015). Collection method: clinical testing. Allele origin: germline.

Blueprint Genetics
Classification: Benign. Last evaluated: 2024-10-09. Review status: criteria provided, single submitter. Criteria: ACMG Guidelines, 2015. Collection method: clinical testing. Allele origin: germline.

Illumina Laboratory Services, Illumina
Classification: Benign for Congenital stationary night blindness autosomal dominant 3. Last evaluated: 2018-01-13. Review status: criteria provided, single submitter. Criteria: ICSL Variant Classification Criteria 13 December 2019. Collection method: clinical testing. Allele origin: germline.
Comment: This variant was observed in the ICSL laboratory as part of a predisposition screen in an ostensibly healthy population. It had not been previously curated by ICSL or reported in the Human Gene Mutation Database (HGMD: prior to June 1st, 2018), and was therefore a candidate for classification through an automated scoring system. Utilizing variant allele frequency, disease prevalence and penetrance estimates, and inheritance mode, an automated score was calculated to assess if this variant is too frequent to cause the disease. Based on the score and internal cut-off values, a variant classified as benign is not then subjected to further curation. The score for this variant resulted in a classification of benign for this disease.